The following is an entry in ClinVar:

NM_004183.4(BEST1):c.153-5C>G

Gene: BEST1 (bestrophin 1; plus strand). Cytogenetic location: 11q12.3.
Variant type: single nucleotide variant.
Coding change: c.153-5C>G on transcript NM_004183.4 (MANE Select); 5 bases into the intron before coding-DNA position 153, C replaced by G.
Molecular consequence: intron variant.
Genome position (GRCh38, 1-based): chr11:61,955,102, C>G. VCF-style: chr11-61955102-C-G. GRCh37 (hg19) VCF-style: chr11-61722574-C-G.
Other names: c.-28-5C>G (NM_001440574.1, NM_001300786.2, NM_001440575.1 and 3 more transcripts); c.153-5C>G (NM_001363592.2, NM_001440571.1, NM_001440572.1 and 1 more transcripts).
Identifiers: ClinVar variation 4993337 (VCV004993337.1).

ClinVar aggregate classification (germline): Likely benign (1 of 4 stars; one submission).

Conditions:
BEST1-related disorder. Also called: BEST1-related condition; BEST1-related disorders. Identifiers: MedGen CN239200.

Submission:

PreventionGenetics, part of Exact Sciences
Classification: Likely benign for BEST1-related condition. Last evaluated: 2026-03-13. Review status: criteria provided, single submitter. Criteria: ACMG Guidelines, 2015. Collection method: clinical testing. Allele origin: germline.
Comment: This variant is classified as likely benign based on ACMG/AMP sequence variant interpretation guidelines (Richards et al. 2015 PMID: 25741868, with internal and published modifications).